The following is an entry in ClinVar:

ClinVar aggregate classification (germline): Uncertain significance (1 of 4 stars; one submission).

Conditions:
Candidiasis, familial, 9 (CANDF9). Identifiers: Orphanet 1334, MedGen C4225324, MONDO:0014642, OMIM 616445.

Submission:

Labcorp Genetics (formerly Invitae), Labcorp
Classification: Uncertain significance for Candidiasis, familial, 9. Last evaluated: 2022-07-12. Review status: criteria provided, single submitter. Criteria: Invitae Variant Classification Sherloc (09022015). Collection method: clinical testing. Allele origin: germline.
Comment: In summary, the available evidence is currently insufficient to determine the role of this variant in disease. Therefore, it has been classified as a Variant of Uncertain Significance. Algorithms developed to predict the effect of missense changes on protein structure and function are either unavailable or do not agree on the potential impact of this missense change (SIFT: "Tolerated"; PolyPhen-2: "Possibly Damaging"; Align-GVGD: "Class C0"). ClinVar contains an entry for this variant (Variation ID: 1488006). This variant has not been reported in the literature in individuals affected with IL17RC-related conditions. This variant is not present in population databases (gnomAD no frequency). This sequence change replaces alanine, which is neutral and non-polar, with valine, which is neutral and non-polar, at codon 636 of the IL17RC protein (p.Ala636Val).

NM_153460.4(IL17RC):c.1694C>T (p.Ala565Val)

Gene: IL17RC (interleukin 17 receptor C; plus strand). Cytogenetic location: 3p25.3.
Variant type: single nucleotide variant.
Coding change: c.1694C>T on transcript NM_153460.4 (MANE Select); coding-DNA position 1694, C replaced by T.
Protein change: p.Ala565Val; replaces alanine 565 with valine.
Molecular consequence: missense variant. On other transcripts: non-coding transcript variant (1).
Genome position (GRCh38, 1-based): chr3:9,933,124, C>T. VCF-style: chr3-9933124-C-T. GRCh37 (hg19) VCF-style: chr3-9974808-C-T.
Other names: c.1655C>T, p.Ala552Val (NM_001203263.2); c.1604C>T, p.Ala535Val (NM_001203264.2); c.1598C>T, p.Ala533Val (NM_001203265.2); c.1616C>T, p.Ala539Val (NM_001367278.1); c.1535C>T, p.Ala512Val (NM_001367279.1); c.1610C>T, p.Ala537Val (NM_001367280.1); c.1649C>T, p.Ala550Val (NM_032732.6); c.1907C>T, p.Ala636Val (NM_153461.4); short protein forms A535V, A539V, A552V, A533V, A550V, A512V, A565V, A537V.
Identifiers: ClinVar variation 1488006 (VCV001488006.8), dbSNP rs774863711, ClinGen allele CA351705492.